The following is an entry in ClinVar:

ClinVar aggregate classification (germline): Uncertain significance (1 of 4 stars; one submission).

gnomAD v4.1: 12 of 1,613,676 alleles (0.00074%); highest among the groups gnomAD compares: East Asian, 0.0067%; no homozygotes.

Submission:

Labcorp Genetics (formerly Invitae), Labcorp
Classification: Uncertain significance. Last evaluated: 2024-03-05. Review status: criteria provided, single submitter. Criteria: Invitae Variant Classification Sherloc (09022015). Collection method: clinical testing. Allele origin: germline.
Comment: This sequence change replaces arginine, which is basic and polar, with glutamine, which is neutral and polar, at codon 296 of the FCHO1 protein (p.Arg296Gln). This variant is present in population databases (rs530821806, gnomAD 0.006%). This variant has not been reported in the literature in individuals affected with FCHO1-related conditions. An algorithm developed to predict the effect of missense changes on protein structure and function (PolyPhen-2) suggests that this variant is likely to be disruptive. In summary, the available evidence is currently insufficient to determine the role of this variant in disease. Therefore, it has been classified as a Variant of Uncertain Significance.

NM_015122.3(FCHO1):c.887G>A (p.Arg296Gln)

Gene: FCHO1 (FCH and mu domain containing endocytic adaptor 1; plus strand). Cytogenetic location: 19p13.11.
Variant type: single nucleotide variant.
Coding change: c.887G>A on transcript NM_015122.3 (MANE Select); coding-DNA position 887, G replaced by A.
Protein change: p.Arg296Gln; replaces arginine 296 with glutamine.
Molecular consequence: missense variant. On other transcripts: non-coding transcript variant (36).
Genome position (GRCh38, 1-based): chr19:17,774,445, G>A. VCF-style: chr19-17774445-G-A. GRCh37 (hg19) VCF-style: chr19-17885254-G-A.
Other names: c.887G>A, p.Arg296Gln (NM_001161357.2, NM_001161358.2, NM_001384370.1 and 25 more transcripts); c.737G>A, p.Arg246Gln (NM_001161359.2, NM_001384384.1, NM_001384385.1 and 3 more transcripts); c.848G>A, p.Arg283Gln (NM_001384388.1, NM_001384389.1, NM_001384405.1); c.812G>A, p.Arg271Gln (NM_001384390.1); c.842G>A, p.Arg281Gln (NM_001384403.1); short protein forms R283Q, R246Q, R281Q, R271Q, R296Q.
Identifiers: ClinVar variation 3684780 (VCV003684780.1).